The following is an entry in ClinVar:

ClinVar aggregate classification (germline): Conflicting classifications of pathogenicity. Review status: criteria provided, conflicting classifications (1 of 4 stars). 12 submissions from 12 submitters: Uncertain significance (6); Likely benign (1). 5 of the submissions do not count toward it. Last evaluated 2026-01-26.

Conditions:
Cardiovascular phenotype. Identifiers: MedGen CN230736.
Dilated cardiomyopathy 1G (CMD1G). Identifiers: Orphanet 154, MedGen C1858763, MONDO:0011400, OMIM 604145.
Autosomal recessive limb-girdle muscular dystrophy type 2J (LGMDR10). Also called: Limb-girdle muscular dystrophy, type 2J; MUSCULAR DYSTROPHY, LIMB-GIRDLE, AUTOSOMAL RECESSIVE 10. Identifiers: Orphanet 140922, MedGen C1837342, MONDO:0012127, OMIM 608807.

Allele frequency attached by ClinVar (database versions not stated): gnomAD 0.00004; ExAC 0.00005; TOPMed 0.00005; gnomAD exomes 0.00006 and 0.00010.
gnomAD v4.1: 151 of 1,612,626 alleles (0.0094%); highest among the groups gnomAD compares: Non-Finnish European, 0.012%; no homozygotes.

Submissions (12):

Labcorp Genetics (formerly Invitae), Labcorp
Classification: Uncertain significance for Dilated cardiomyopathy 1G; Autosomal recessive limb-girdle muscular dystrophy type 2J. Last evaluated: 2026-01-26. Review status: criteria provided, single submitter. Criteria: Invitae Variant Classification Sherloc (09022015). Collection method: clinical testing. Allele origin: germline.
Comment: This sequence change replaces arginine, which is basic and polar, with histidine, which is basic and polar, at codon 34092 of the TTN protein (p.Arg34092His). This variant is present in population databases (rs757918924, gnomAD 0.01%). This missense change has been observed in individual(s) with dilated cardiomyopathy (PMID: 29961767). ClinVar contains an entry for this variant (Variation ID: 191822). Experimental studies and prediction algorithms are not available or were not evaluated, and the functional significance of this variant is currently unknown. This variant is located in the M band of TTN (PMID: 25589632). Non-truncating variants in this region may be relevant for neuromuscular disorders, but have not been definitively shown to cause cardiomyopathy (PMID: 23975875). In summary, the available evidence is currently insufficient to determine the role of this variant in disease. Therefore, it has been classified as a Variant of Uncertain Significance.

Revvity Omics, Revvity
Classification: Uncertain significance. Last evaluated: 2025-06-04. Review status: criteria provided, single submitter. Criteria: ACMG Guidelines, 2015. Collection method: clinical testing. Allele origin: germline.

Mayo Clinic Laboratories, Mayo Clinic
Classification: Uncertain significance. Last evaluated: 2025-03-06. Review status: criteria provided, single submitter. Criteria: ACMG Guidelines, 2015. Collection method: clinical testing. Allele origin: germline. Observed: 1 variant allele.
Comment: PM2_supporting

Women's Health and Genetics/Laboratory Corporation of America, LabCorp
Classification: Uncertain significance. Last evaluated: 2023-11-06. Review status: criteria provided, single submitter. Criteria: LabCorp Variant Classification Summary - May 2015. Collection method: clinical testing. Allele origin: germline.
Comment: Variant summary: TTN c.94571G>A (p.Arg31524His) results in a non-conservative amino acid change located in the M band region of the encoded protein sequence. Three of four in-silico tools predict a damaging effect of the variant on protein function. The variant allele was found at a frequency of 5.7e-05 in 247456 control chromosomes (gnomAD). T c.94571G>A has been reported in the literature in individuals affected with dilated cardiomyopathy, however authors classifed this variant as VUS (examples: Hoorntje_2017, Minoche_2019). At-least one of these publications reported co-occurrence of other pathogenic variant (LMNA c.992G>A, p.Arg331Gln), supporting a benign role for this variant. These report(s) do not provide unequivocal conclusions about association of the variant with Limb-Girdle Muscular Dystrophy, Type 2J. To our knowledge, no experimental evidence demonstrating an impact on protein function has been reported. The following publications have been ascertained in the context of this evaluation (PMID: 28790152, 29961767). Four submitters have cited clinical-significance assessments for this variant to ClinVar after 2014 and classifed the variant as VUS (n=2) and likely benign (n=1). Based on the evidence outlined above, the variant was classified as uncertain significance.

GeneDx
Classification: Likely benign. Last evaluated: 2020-11-24. Review status: criteria provided, single submitter. Criteria: GeneDx Variant Classification Process June 2021. Collection method: clinical testing. Allele origin: germline. Affected: yes.

Ambry Genetics
Classification: Uncertain significance for Cardiovascular phenotype. Last evaluated: 2019-05-29. Review status: criteria provided, single submitter. Criteria: Ambry Variant Classification Scheme 2023. Collection method: clinical testing. Allele origin: germline.
Comment: The p.R25027H variant (also known as c.75080G>A), located in coding exon 185 of the TTN gene, results from a G to A substitution at nucleotide position 75080. The arginine at codon 25027 is replaced by histidine, an amino acid with highly similar properties. This alteration (referred to as c.94570G>A, p.R31524H) has been reported as a secondary cardiac variant in an exome cohort (Ng D et al. Circ Cardiovasc Genet, 2013 Aug;6:337-46). This amino acid position is highly conserved in available vertebrate species. In addition, this alteration is predicted to be tolerated by in silico analysis. Since supporting evidence is limited at this time, the clinical significance of this alteration remains unclear.

Biesecker Lab/Clinical Genomics Section, National Institutes of Health
Classification: Uncertain significance. Last evaluated: 2013-06-24. Review status: criteria provided, single submitter. Criteria: Ng et al. (Circ Cardiovasc Genet. 2013). Collection method: research. Allele origin: unknown. Observed: 1 variant allele. Study: ClinSeq.
Comment: The study set was not selected for affection status in relation to any cancer. Pathogenicity categories were based on literature curation. See Pubmed ID:23861362 for details.

Medical sequencing

Clinical Genetics DNA and cytogenetics Diagnostics Lab, Erasmus MC, Erasmus Medical Center
Classification: Uncertain significance. Review status: no assertion criteria provided. Collection method: clinical testing. Allele origin: germline. Affected: yes. Study: VKGL Data-share Consensus. Not counted in ClinVar's aggregate classification.

Clinical Genetics, Academic Medical Center
Classification: Uncertain significance. Review status: no assertion criteria provided. Collection method: clinical testing. Allele origin: germline. Affected: yes. Study: VKGL Data-share Consensus. Not counted in ClinVar's aggregate classification.

Diagnostic Laboratory, Department of Genetics, University Medical Center Groningen
Classification: Uncertain significance. Review status: no assertion criteria provided. Collection method: clinical testing. Allele origin: germline. Affected: yes. Study: VKGL Data-share Consensus. Not counted in ClinVar's aggregate classification.

Genome Diagnostics Laboratory, University Medical Center Utrecht
Classification: Uncertain significance. Review status: no assertion criteria provided. Collection method: clinical testing. Allele origin: germline. Affected: yes. Study: VKGL Data-share Consensus. Not counted in ClinVar's aggregate classification.

Joint Genome Diagnostic Labs from Nijmegen and Maastricht, Radboudumc and MUMC+
Classification: Uncertain significance. Review status: no assertion criteria provided. Collection method: clinical testing. Allele origin: germline. Affected: yes. Study: VKGL Data-share Consensus. Not counted in ClinVar's aggregate classification.

Literature cited by the submitters: PubMed 29961767 (cited by 3 submitters); PubMed 25589632 (cited by Labcorp Genetics (formerly Invitae), Labcorp); PubMed 23975875 (cited by Labcorp Genetics (formerly Invitae), Labcorp); PubMed 23861362 (cited by Mayo Clinic Laboratories, Mayo Clinic and Ambry Genetics); PubMed 28790152 (cited by Mayo Clinic Laboratories, Mayo Clinic and Women's Health and Genetics/Laboratory Corporation of America, LabCorp).

NM_001267550.2(TTN):c.102275G>A (p.Arg34092His)

Genes: TTN (titin; minus strand), TTN-AS1 (TTN antisense RNA 1; plus strand). Cytogenetic location: 2q31.2.
Variant type: single nucleotide variant.
Coding change: c.102275G>A on transcript NM_001267550.2 (MANE Select); coding-DNA position 102275, G replaced by A.
Protein change: p.Arg34092His; replaces arginine 34092 with histidine.
Molecular consequence: missense variant.
Genome position (GRCh38, 1-based): chr2:178,534,340, C>T on the plus strand (G>A on the coding strand, the complement: TTN is on the minus strand). VCF-style: chr2-178534340-C-T. GRCh37 (hg19) VCF-style: chr2-179399067-C-T.
Other names: p.Arg31524His; c.97352G>A, p.Arg32451His (NM_001256850.1); c.75080G>A, p.Arg25027His (NM_003319.4); c.94571G>A, p.Arg31524His (NM_133378.4); c.75455G>A, p.Arg25152His (NM_133432.3); c.75656G>A, p.Arg25219His (NM_133437.4); short protein forms R31524H, R34092H, R32451H, R25027H, R25152H, R25219H.
Identifiers: ClinVar variation 191822 (VCV000191822.22), dbSNP rs757918924, ClinGen allele CA237632.
Genomic context (GRCh38, chr2:178,534,340, plus strand): 5'-GAGATCCGGGCTGCTGACACAACCATGTTGAGGTCTTTCTTGATCAGGGTGTGGTAATAA[C>T]GCCGGTGTTTTAATGTTCTGATAACTTTAGTACTGACTCTTTCTATCTTCTGCTTCAACC-3'
Protein context (NP_001254479.2, residues 34082-34102): TKVIRTLKHR[Arg34092His]YYHTLIKKDL